The following is an entry in ClinVar:

ClinVar aggregate classification (germline): Likely benign. Review status: criteria provided, multiple submitters, no conflicts (2 of 4 stars). 6 submissions from 6 submitters: Likely benign (5). 1 of the submissions does not count toward it. Last evaluated 2026-01-25.

Conditions:
DNAH11-related disorder. Also called: DNAH11-related condition.
Primary ciliary dyskinesia 7. Also called: CILIARY DYSKINESIA, PRIMARY, 7, WITH OR WITHOUT SITUS INVERSUS. Identifiers: Orphanet 244, MedGen C2678473, MONDO:0012748, OMIM 611884.
Primary ciliary dyskinesia. Also called: Ciliary dyskinesia. Identifiers: Orphanet 244, MedGen C0008780, MONDO:0016575, HP:0012265.

Allele frequency attached by ClinVar (database versions not stated): 1000 Genomes Project 30x 0.00062; ESP Exome Variant Server 0.00067; gnomAD 0.00068 and 0.00070; TOPMed 0.00078; 1000 Genomes Project 0.00080; gnomAD exomes 0.00087; ExAC 0.00150.
gnomAD v4.1: 1,527 of 1,582,428 alleles (0.096%); highest among the groups gnomAD compares: Non-Finnish European, 0.098%; 1 homozygote.

Submissions (6):

Labcorp Genetics (formerly Invitae), Labcorp
Classification: Likely benign for Primary ciliary dyskinesia. Last evaluated: 2026-01-25. Review status: criteria provided, single submitter. Criteria: Invitae Variant Classification Sherloc (09022015). Collection method: clinical testing. Allele origin: germline.

CeGaT Center for Human Genetics Tuebingen
Classification: Likely benign. Last evaluated: 2025-08-01. Review status: criteria provided, single submitter. Criteria: CeGaT Center For Human Genetics Tuebingen Variant Classification Criteria Version 2. Collection method: clinical testing. Allele origin: germline. Affected: yes. Observed: 6 variant alleles.
Comment: DNAH11: BP4, BS1

Blueprint Genetics
Classification: Likely benign. Last evaluated: 2024-11-18. Review status: criteria provided, single submitter. Criteria: ACMG Guidelines, 2015. Collection method: clinical testing. Allele origin: germline.

Genetics and Molecular Pathology, SA Pathology
Classification: Likely benign for Primary ciliary dyskinesia 7. Last evaluated: 2022-03-29. Review status: criteria provided, single submitter. Criteria: ACMG Guidelines, 2015. Collection method: clinical testing. Allele origin: germline. Inheritance: Autosomal recessive inheritance. Affected: yes.

Breakthrough Genomics
Classification: Likely benign. Review status: criteria provided, single submitter. Criteria: ACMG Guidelines, 2015. Collection method: not provided. Allele origin: germline. Inheritance: Autosomal recessive inheritance. Affected: yes.

PreventionGenetics, part of Exact Sciences
Classification: Benign for DNAH11-related condition. Last evaluated: 2019-05-17. Review status: no assertion criteria provided. Collection method: clinical testing. Allele origin: germline. Not counted in ClinVar's aggregate classification.
Comment: This variant is classified as benign based on ACMG/AMP sequence variant interpretation guidelines (Richards et al. 2015 PMID: 25741868, with internal and published modifications).

NM_001277115.2(DNAH11):c.9110A>G (p.His3037Arg)

Gene: DNAH11 (dynein axonemal heavy chain 11; plus strand). Cytogenetic location: 7p15.3.
Variant type: single nucleotide variant.
Coding change: c.9110A>G on transcript NM_001277115.2 (MANE Select); coding-DNA position 9110, A replaced by G.
Protein change: p.His3037Arg; replaces histidine 3037 with arginine.
Molecular consequence: missense variant.
Genome position (GRCh38, 1-based): chr7:21,773,773, A>G. VCF-style: chr7-21773773-A-G. GRCh37 (hg19) VCF-style: chr7-21813391-A-G.
Other names: short protein forms H3037R.
Identifiers: ClinVar variation 238941 (VCV000238941.38), dbSNP rs192327380, ClinGen allele CA4181885.